The following is an entry in ClinVar:

NM_000836.4(GRIN2D):c.2091+3G>A

Gene: GRIN2D (glutamate ionotropic receptor NMDA type subunit 2D; plus strand). Cytogenetic location: 19q13.33.
Variant type: single nucleotide variant.
Coding change: c.2091+3G>A on transcript NM_000836.4 (MANE Select); 3 bases into the intron after coding-DNA position 2091, G replaced by A.
Molecular consequence: intron variant.
Genome position (GRCh38, 1-based): chr19:48,419,817, G>A. VCF-style: chr19-48419817-G-A. GRCh37 (hg19) VCF-style: chr19-48923074-G-A.
Identifiers: ClinVar variation 1477257 (VCV001477257.6), dbSNP rs773135204, ClinGen allele CA2573156513.

ClinVar aggregate classification (germline): Uncertain significance (1 of 4 stars; one submission).

Submission:

Labcorp Genetics (formerly Invitae), Labcorp
Classification: Uncertain significance. Last evaluated: 2021-04-13. Review status: criteria provided, single submitter. Criteria: Invitae Variant Classification Sherloc (09022015). Collection method: clinical testing. Allele origin: germline.
Comment: This sequence change falls in intron 9 of the GRIN2D gene. It does not directly change the encoded amino acid sequence of the GRIN2D protein. It affects a nucleotide within the consensus splice site of the intron. This variant is not present in population databases (ExAC no frequency). This variant has not been reported in the literature in individuals with GRIN2D-related conditions. Nucleotide substitutions within the consensus splice site are a relatively common cause of aberrant splicing (PMID: 17576681, 9536098). Algorithms developed to predict the effect of sequence changes on RNA splicing suggest that this variant may create or strengthen a splice site, but this prediction has not been confirmed by published transcriptional studies. In summary, the available evidence is currently insufficient to determine the role of this variant in disease. Therefore, it has been classified as a Variant of Uncertain Significance.

Literature cited by the submitters: PubMed 17576681; PubMed 9536098.